The following is an entry in ClinVar:

ClinVar aggregate classification (germline): Likely pathogenic (1 of 4 stars; one submission).

Conditions:
Familial hypokalemia-hypomagnesemia (GTLMNS). Also called: POTASSIUM AND MAGNESIUM DEPLETION; HYPOMAGNESEMIA-HYPOKALEMIA, PRIMARY RENOTUBULAR, WITH HYPOCALCIURIA; gitelman syndrome. Identifiers: Orphanet 358, MedGen C0268450, MONDO:0009904, OMIM 263800.

gnomAD v4.1: 4 of 1,614,008 alleles (0.00025%); highest among the groups gnomAD compares: Non-Finnish European, 0.00034%; no homozygotes.

Submission:

Natera, Inc.
Classification: Likely pathogenic for Gitelman syndrome. Last evaluated: 2024-05-09. Review status: criteria provided, single submitter. Criteria: Natera Variant Classification Schema (03/2026). Collection method: clinical testing. Allele origin: germline.
Comment: The c.1577A>G variant in SLC12A3 is a missense variant predicted to cause substitution of asparagine to serine at amino acid 526. This variant is rare in the general population with a frequency below the threshold expected for the associated phenotype(s). This variant has been observed in one or more individuals affected with the associated recessive disease, as either homozygous or compound heterozygous with a second variant (PMID: 29398133). Additionally, this variant has been observed to segregate in affected family members (PMID: 29398133). Computational prediction algorithms indicate this variant is likely to affect gene or protein function. Given the available evidence, this variant is classified as Likely Pathogenic.

Literature cited by the submitters: PubMed 29398133.

NM_001126108.2(SLC12A3):c.1577A>G (p.Asn526Ser)

Gene: SLC12A3 (solute carrier family 12 member 3; plus strand). Cytogenetic location: 16q13.
Variant type: single nucleotide variant.
Coding change: c.1577A>G on transcript NM_001126108.2 (MANE Select); coding-DNA position 1577, A replaced by G.
Protein change: p.Asn526Ser; replaces asparagine 526 with serine.
Molecular consequence: missense variant.
Genome position (GRCh38, 1-based): chr16:56,882,405, A>G. VCF-style: chr16-56882405-A-G. GRCh37 (hg19) VCF-style: chr16-56916317-A-G.
Other names: c.1577A>G, p.Asn526Ser (NM_000339.3); c.1574A>G, p.Asn525Ser (NM_001126107.2, NM_001410896.1); short protein forms N525S, N526S.
Identifiers: ClinVar variation 4818190 (VCV004818190.1).
Genomic context (GRCh38, chr16:56,882,405, plus strand): 5'-CTTGGCAGAGTTGCCCAACAGGCTGTCCTCTCTCTCCCTGGGTCCCCGAAGCTGAGCTCA[A>G]CACCATAGCCCCCATCATTTCCAACTTCTTCCTCTGCTCCTATGCCCTCATCAACTTCAG-3'
Protein context (NP_001119580.2, residues 516-536): AVAFIIIAEL[Asn526Ser]TIAPIISNFF